The following is an entry in ClinVar:

NM_004787.4(SLIT2):c.4141G>A (p.Val1381Ile)

Gene: SLIT2 (slit guidance ligand 2; plus strand). Cytogenetic location: 4p15.31.
Variant type: single nucleotide variant.
Coding change: c.4141G>A on transcript NM_004787.4 (MANE Select); coding-DNA position 4141, G replaced by A.
Protein change: p.Val1381Ile; replaces valine 1381 with isoleucine.
Molecular consequence: missense variant.
Genome position (GRCh38, 1-based): chr4:20,617,443, G>A. VCF-style: chr4-20617443-G-A. GRCh37 (hg19) VCF-style: chr4-20619066-G-A.
Other names: c.4129G>A, p.Val1377Ile (NM_001289135.3); c.4117G>A, p.Val1373Ile (NM_001289136.3); short protein forms V1377I, V1381I, V1373I.
Identifiers: ClinVar variation 4692140 (VCV004692140.1).

ClinVar aggregate classification (germline): Uncertain significance (1 of 4 stars; one submission).

gnomAD v4.1: 5 of 1,613,592 alleles (0.00031%); highest among the groups gnomAD compares: African/African-American, 0.004%; no homozygotes.

Submission:

Labcorp Genetics (formerly Invitae), Labcorp
Classification: Uncertain significance. Last evaluated: 2025-02-10. Review status: criteria provided, single submitter. Criteria: Invitae Variant Classification Sherloc (09022015). Collection method: clinical testing. Allele origin: germline.
Comment: This sequence change replaces valine, which is neutral and non-polar, with isoleucine, which is neutral and non-polar, at codon 1381 of the SLIT2 protein (p.Val1381Ile). The frequency data for this variant in the population databases is considered unreliable, as metrics indicate poor data quality at this position in the gnomAD database. This variant has not been reported in the literature in individuals affected with SLIT2-related conditions. An algorithm developed to predict the effect of missense changes on protein structure and function (PolyPhen-2) suggests that this variant is likely to be tolerated. In summary, the available evidence is currently insufficient to determine the role of this variant in disease. Therefore, it has been classified as a Variant of Uncertain Significance.